The following is an entry in ClinVar:

ClinVar aggregate classification (germline): Pathogenic. Review status: criteria provided, multiple submitters, no conflicts (2 of 4 stars). 4 submissions from 4 submitters: Pathogenic (4). Last evaluated 2025-07-29.

Conditions:
Hereditary cancer-predisposing syndrome. Also called: Tumor predisposition; Neoplastic Syndromes, Hereditary; Hereditary Cancer Syndrome; Hereditary neoplastic syndrome. Identifiers: Orphanet 140162, MedGen C0027672, MeSH D009386, MONDO:0015356.
Lynch syndrome 5 (LYNCH5). Also called: Hereditary non-polyposis colorectal cancer, type 5; Colorectal cancer, hereditary nonpolyposis, type 5. Identifiers: Orphanet 144, MedGen C1833477, MONDO:0013710, OMIM 614350. Disease mechanism: loss of function.
Hereditary nonpolyposis colorectal neoplasms. Identifiers: MedGen C0009405, MeSH D003123.

Submissions (4):

Labcorp Genetics (formerly Invitae), Labcorp
Classification: Pathogenic for Hereditary nonpolyposis colorectal neoplasms. Last evaluated: 2025-07-29. Review status: criteria provided, single submitter. Criteria: Invitae Variant Classification Sherloc (09022015). Collection method: clinical testing. Allele origin: germline.
Comment: This sequence change creates a premature translational stop signal (p.Lys1140Serfs*5) in the MSH6 gene. It is expected to result in an absent or disrupted protein product. Loss-of-function variants in MSH6 are known to be pathogenic (PMID: 18269114, 24362816). This variant is not present in population databases (gnomAD no frequency). This premature translational stop signal has been observed in individual(s) with constitutional mismatch repair deficiency syndrome (PMID: 24440087). ClinVar contains an entry for this variant (Variation ID: 801223). For these reasons, this variant has been classified as Pathogenic.

Ambry Genetics
Classification: Pathogenic for Hereditary cancer-predisposing syndrome. Last evaluated: 2025-05-20. Review status: criteria provided, single submitter. Criteria: Ambry Variant Classification Scheme 2023. Collection method: clinical testing. Allele origin: germline.
Comment: The c.3417delC pathogenic mutation, located in coding exon 5 of the MSH6 gene, results from a deletion of one nucleotide at nucleotide position 3417, causing a translational frameshift with a predicted alternate stop codon (p.K1140Sfs*5). This variant has been reported homozygous in an individual with constitutional mismatch repair deficiency (CMMRD) (Bakry D et al. Eur. J. Cancer, 2014 Mar;50:987-96). This variant is considered to be rare based on population cohorts in the Genome Aggregation Database (gnomAD). This alteration is expected to result in loss of function by premature protein truncation or nonsense-mediated mRNA decay. As such, this alteration is interpreted as a disease-causing mutation.

Myriad Genetics, Inc.
Classification: Pathogenic for Lynch syndrome 5. Last evaluated: 2023-08-23. Review status: criteria provided, single submitter. Criteria: Myriad Autosomal Dominant, Autosomal Recessive and X-Linked Classification Criteria (2023). Collection method: clinical testing. Allele origin: unknown.
Comment: This variant is considered pathogenic. This variant creates a frameshift predicted to result in premature protein truncation.

Quest Diagnostics Nichols Institute San Juan Capistrano
Classification: Pathogenic. Last evaluated: 2019-05-31. Review status: criteria provided, single submitter. Criteria: Quest Diagnostics criteria. Collection method: clinical testing. Allele origin: germline.
Comment: The variant results in a shift of the reading frame, and is therefore predicted to result in the loss of a functional protein. Found in at least one symptomatic patient in literature, and not found in general population data.

Literature cited by the submitters: PubMed 18269114 (cited by Labcorp Genetics (formerly Invitae), Labcorp); PubMed 24362816 (cited by Labcorp Genetics (formerly Invitae), Labcorp); PubMed 24440087 (cited by 3 submitters).

NM_000179.3(MSH6):c.3417del (p.Lys1140fs)

Gene: MSH6 (mutS homolog 6; plus strand). Cytogenetic location: 2p16.3.
Variant type: Deletion.
Coding change: c.3417del on transcript NM_000179.3 (MANE Select); coding-DNA position 3417, one base deleted (C; older notation c.3417delC).
Protein change: p.Lys1140fs; shifts the reading frame from lysine 1140.
Molecular consequence: frameshift variant.
Genome position (GRCh38, 1-based): chr2:47,803,664, C deleted. VCF-style (leftmost placement, unchanged base first): chr2-47803663-GC-G. GRCh37 (hg19) VCF-style: chr2-48030802-GC-G.
Other names: c.3027del, p.Lys1010fs (NM_001281492.2); c.2511del, p.Lys838fs (NM_001281493.2, NM_001281494.2); c.3417delC (NM_000179.2); short protein forms K838fs, K1010fs, K1140fs.
Identifiers: ClinVar variation 801223 (VCV000801223.12), dbSNP rs1572736122, ClinGen allele CA915943953.